The following is an entry in ClinVar:

NM_001164508.2(NEB):c.10143+9T>G

Gene: NEB (nebulin; minus strand). Cytogenetic location: 2q23.3.
Variant type: single nucleotide variant.
Coding change: c.10143+9T>G on transcript NM_001164508.2 (MANE Select); 9 bases into the intron after coding-DNA position 10143, T replaced by G.
Molecular consequence: intron variant.
Genome position (GRCh38, 1-based): chr2:151,627,514, A>C on the plus strand (T>G on the coding strand, the complement: NEB is on the minus strand). VCF-style: chr2-151627514-A-C. GRCh37 (hg19) VCF-style: chr2-152484028-A-C.
Other names: c.9414+9T>G (NM_004543.5); c.10143+9T>G (NM_001164507.2, NM_001271208.2).
Identifiers: ClinVar variation 3710916 (VCV003710916.2).
Genomic context (GRCh38, chr2:151,627,514, plus strand): 5'-AGACCACTGTCTCAGTATTTCTATGAATTACTATTATGAGCACAGTTACCATGGATCTTA[A>C]TTACTCACATCGCTCTGGAGGTCATAGGCCTGCCGAGCATGGATGACATCATTCTGGTCG-3'

ClinVar aggregate classification (germline): Uncertain significance (1 of 4 stars; one submission).

Conditions:
Nemaline myopathy 2 (NEM2). Also called: Nemaline myopathy 2, autosomal recessive. Identifiers: MedGen C1850569, MONDO:0009725, OMIM 256030.

gnomAD v4.1: 4 of 1,612,658 alleles (0.00025%); highest among the groups gnomAD compares: African/African-American, 0.0053%; no homozygotes.

Submission:

Labcorp Genetics (formerly Invitae), Labcorp
Classification: Uncertain significance for Nemaline myopathy 2. Last evaluated: 2025-04-30. Review status: criteria provided, single submitter. Criteria: Invitae Variant Classification Sherloc (09022015). Collection method: clinical testing. Allele origin: germline.
Comment: This sequence change falls in intron 69 of the NEB gene. It does not directly change the encoded amino acid sequence of the NEB protein. This variant is present in population databases (rs771686836, gnomAD 0.01%). This variant has not been reported in the literature in individuals affected with NEB-related conditions. ClinVar contains an entry for this variant (Variation ID: 3710916). Algorithms developed to predict the effect of sequence changes on RNA splicing suggest that this variant may disrupt the consensus splice site. In summary, the available evidence is currently insufficient to determine the role of this variant in disease. Therefore, it has been classified as a Variant of Uncertain Significance.